The following is an entry in ClinVar:

NM_001003694.2(BRPF1):c.1831C>T (p.Arg611Trp)

Gene: BRPF1 (bromodomain and PHD finger containing 1; plus strand). Cytogenetic location: 3p25.3.
Variant type: single nucleotide variant.
Coding change: c.1831C>T on transcript NM_001003694.2 (MANE Select); coding-DNA position 1831, C replaced by T.
Protein change: p.Arg611Trp; replaces arginine 611 with tryptophan.
Molecular consequence: missense variant. On other transcripts: non-coding transcript variant (1).
Genome position (GRCh38, 1-based): chr3:9,741,416, C>T. VCF-style: chr3-9741416-C-T. GRCh37 (hg19) VCF-style: chr3-9783100-C-T.
Other names: c.1831C>T, p.Arg611Trp (NM_001319049.2, NM_001319050.2, NM_001410704.1 and 1 more transcripts); short protein forms R611W.
Identifiers: ClinVar variation 2439567 (VCV002439567.4), dbSNP rs1177286410, ClinGen allele CA351691026.

ClinVar aggregate classification (germline): Uncertain significance. Review status: criteria provided, multiple submitters, no conflicts (2 of 4 stars). 2 submissions from 2 submitters: Uncertain significance (2). Last evaluated 2023-07-17.

Conditions:
Intellectual developmental disorder with dysmorphic facies and ptosis (IDDDFP). Identifiers: Orphanet 698090, MedGen C4310617, MONDO:0015022, OMIM 617333.

Submissions (2):

Victorian Clinical Genetics Services, Murdoch Childrens Research Institute
Classification: Uncertain significance for Intellectual developmental disorder with dysmorphic facies and ptosis. Last evaluated: 2023-07-17. Review status: criteria provided, single submitter. Criteria: ACMG Guidelines, 2015. Collection method: clinical testing. Allele origin: germline. Inheritance: Autosomal dominant inheritance. Affected: yes.
Comment: Based on the classification scheme VCGS_Germline_v1.3.4, this variant is classified as VUS-3B. Following criteria are met: 0102 - Loss of function is a known mechanism of disease in this gene and is associated with intellectual developmental disorder with dysmorphic facies and ptosis (MIM#617333). (I) 0107 - This gene is associated with autosomal dominant disease. (I) 0115 - Variants in this gene are known to have variable expressivity (OMIM, PMID: 32010779). (I) 0200 - Variant is predicted to result in a missense amino acid change from arginine to tryptophan. (I) 0251 - This variant is heterozygous. (I) 0301 - Variant is absent from gnomAD (both v2 and v3). (SP) 0501 - Missense variant consistently predicted to be damaging by multiple in silico tools or highly conserved with a major amino acid change. (SP) 0604 - Variant is not located in an established domain, motif, hotspot or informative constraint region. (I) 0705 - No comparable missense variants have previous evidence for pathogenicity. (I) 0807 - This variant has no previous evidence of pathogenicity. (I) 0905 - No published segregation evidence has been identified for this variant. (I) 1007 - No published functional evidence has been identified for this variant. (I) 1208 - Inheritance information for this variant is not currently available in this individual. (I) Legend: (SP) - Supporting pathogenic, (I) - Information, (SB) - Supporting benign

Revvity Omics, Revvity
Classification: Uncertain significance for Intellectual developmental disorder with dysmorphic facies and ptosis. Last evaluated: 2020-03-13. Review status: criteria provided, single submitter. Criteria: ACMG Guidelines, 2015. Collection method: clinical testing. Allele origin: germline.

Literature cited by the submitters: PubMed 32010779 (cited by Victorian Clinical Genetics Services, Murdoch Childrens Research Institute).